The following is an entry in ClinVar:

ClinVar aggregate classification (germline): Conflicting classifications of pathogenicity. Review status: criteria provided, conflicting classifications (1 of 4 stars). 2 submissions from 2 submitters: Likely pathogenic (1); Uncertain significance (1). Last evaluated 2026-02-01.

Conditions:
Hypertrophic cardiomyopathy. Also called: HYPERTROPHIC MYOCARDIOPATHY. Identifiers: Orphanet 217569, MedGen C0007194, MeSH D002312, MONDO:0005045, HP:0001639.

Submissions (2):

CeGaT Center for Human Genetics Tuebingen
Classification: Likely pathogenic. Last evaluated: 2026-02-01. Review status: criteria provided, single submitter. Criteria: CeGaT Center For Human Genetics Tuebingen Variant Classification Criteria Version 2. Collection method: clinical testing. Allele origin: germline. Affected: yes. Observed: 1 variant allele.
Comment: MYH7: PM1, PM2, PM5, PP3

Labcorp Genetics (formerly Invitae), Labcorp
Classification: Uncertain significance for Hypertrophic cardiomyopathy. Last evaluated: 2025-06-04. Review status: criteria provided, single submitter. Criteria: Invitae Variant Classification Sherloc (09022015). Collection method: clinical testing. Allele origin: germline.
Comment: This sequence change replaces arginine, which is basic and polar, with serine, which is neutral and polar, at codon 652 of the MYH7 protein (p.Arg652Ser). This variant also falls at the last nucleotide of exon 17, which is part of the consensus splice site for this exon. This variant is not present in population databases (gnomAD no frequency). This variant has not been reported in the literature in individuals affected with MYH7-related conditions. An algorithm developed to predict the effect of missense changes on protein structure and function (PolyPhen-2) suggests that this variant is likely to be disruptive. Variants that disrupt the consensus splice site are a relatively common cause of aberrant splicing (PMID: 17576681, 9536098). Algorithms developed to predict the effect of sequence changes on RNA splicing suggest that this variant may disrupt the consensus splice site. In summary, the available evidence is currently insufficient to determine the role of this variant in disease. Therefore, it has been classified as a Variant of Uncertain Significance.

Literature cited by the submitters: PubMed 17576681 (cited by Labcorp Genetics (formerly Invitae), Labcorp); PubMed 9536098 (cited by Labcorp Genetics (formerly Invitae), Labcorp).

NM_000257.4(MYH7):c.1956G>T (p.Arg652Ser)

Gene: MYH7 (myosin heavy chain 7; minus strand). Cytogenetic location: 14q11.2.
Variant type: single nucleotide variant.
Coding change: c.1956G>T on transcript NM_000257.4 (MANE Select); coding-DNA position 1956, G replaced by T.
Protein change: p.Arg652Ser; replaces arginine 652 with serine.
Molecular consequence: missense variant.
Genome position (GRCh38, 1-based): chr14:23,427,240, C>A on the plus strand (G>T on the coding strand, the complement: MYH7 is on the minus strand). VCF-style: chr14-23427240-C-A. GRCh37 (hg19) VCF-style: chr14-23896449-C-A.
Other names: c.1956G>T, p.Arg652Ser (NM_001407004.1); short protein forms R652S.
Identifiers: ClinVar variation 4720756 (VCV004720756.5).